The following is an entry in ClinVar:

NM_000098.3(CPT2):c.655C>T (p.Arg219Trp)

Gene: CPT2 (carnitine palmitoyltransferase 2; plus strand). Cytogenetic location: 1p32.3.
Variant type: single nucleotide variant.
Coding change: c.655C>T on transcript NM_000098.3 (MANE Select); coding-DNA position 655, C replaced by T.
Protein change: p.Arg219Trp; replaces arginine 219 with tryptophan.
Molecular consequence: missense variant.
Genome position (GRCh38, 1-based): chr1:53,210,329, C>T. VCF-style: chr1-53210329-C-T. GRCh37 (hg19) VCF-style: chr1-53676001-C-T.
Other names: c.655C>T, p.Arg219Trp (NM_001330589.2); short protein forms R219W.
Identifiers: ClinVar variation 863218 (VCV000863218.5), dbSNP rs367691827, ClinGen allele CA859025.

ClinVar aggregate classification (germline): Uncertain significance. Review status: criteria provided, single submitter (1 of 4 stars). 2 submissions from 2 submitters: Uncertain significance (1). 1 of the submissions does not count toward it. Last evaluated 2022-08-31.

Conditions:
Carnitine palmitoyltransferase II deficiency. Also called: Carnitine Palmitoyltransferase 2 Deficiency. Identifiers: Orphanet 157, MedGen C0342790, MONDO:0015515.

Allele frequency attached by ClinVar (database versions not stated): ExAC 0.00002; gnomAD exomes 0.00002; gnomAD 0.00003; TOPMed 0.00004; ESP Exome Variant Server 0.00008.
gnomAD v4.1: 19 of 1,614,014 alleles (0.0012%); highest among the groups gnomAD compares: Non-Finnish European, 0.0014%; no homozygotes.

Submissions (2):

Labcorp Genetics (formerly Invitae), Labcorp
Classification: Uncertain significance for Carnitine palmitoyltransferase II deficiency. Last evaluated: 2022-08-31. Review status: criteria provided, single submitter. Criteria: Invitae Variant Classification Sherloc (09022015). Collection method: clinical testing. Allele origin: germline.
Comment: This sequence change replaces arginine, which is basic and polar, with tryptophan, which is neutral and slightly polar, at codon 219 of the CPT2 protein (p.Arg219Trp). This variant is present in population databases (rs367691827, gnomAD 0.003%). This variant has not been reported in the literature in individuals affected with CPT2-related conditions. ClinVar contains an entry for this variant (Variation ID: 863218). Advanced modeling of protein sequence and biophysical properties (such as structural, functional, and spatial information, amino acid conservation, physicochemical variation, residue mobility, and thermodynamic stability) performed at Invitae indicates that this missense variant is not expected to disrupt CPT2 protein function. In summary, the available evidence is currently insufficient to determine the role of this variant in disease. Therefore, it has been classified as a Variant of Uncertain Significance.

Natera, Inc.
Classification: Uncertain significance for Carnitine palmitoyltransferase II deficiency. Last evaluated: 2020-09-16. Review status: no assertion criteria provided. Collection method: clinical testing. Allele origin: germline. Not counted in ClinVar's aggregate classification.